The following is an entry in ClinVar:

NM_017636.4(TRPM4):c.1798_1819dup (p.Glu607delinsGlyThrProGlyAlaTer)

Gene: TRPM4 (transient receptor potential cation channel subfamily M member 4; plus strand). Cytogenetic location: 19q13.33.
Variant type: Duplication.
Coding change: c.1798_1819dup on transcript NM_017636.4 (MANE Select); coding-DNA positions 1798 to 1819, 22 bases duplicated (GCACGCCTGGAGCCTGACGCTG).
Protein change: p.Glu607delinsGlyThrProGlyAlaTer.
Molecular consequence: nonsense.
Genome position (GRCh38, 1-based): chr19:49,188,695-49,188,716, GCACGCCTGGAGCCTGACGCTG duplicated; duplicating any 22 consecutive bases within chr19:49,188,693-49,188,716 gives the same sequence; the c. name uses the placement nearest the transcript's 3' end. VCF-style (leftmost placement, unchanged base first): chr19-49188692-A-ATGGCACGCCTGGAGCCTGACGC. GRCh37 (hg19) VCF-style: chr19-49691949-A-ATGGCACGCCTGGAGCCTGACGC.
Other names: c.1798_1819dup, p.Glu607delinsGlyThrProGlyAlaTer (NM_001195227.2); c.1453_1474dup, p.Glu492delinsGlyThrProGlyAlaTer (NM_001321281.2); c.190_211dup, p.Glu71delinsGlyThrProGlyAlaTer (NM_001321282.2); c.1276_1297dup, p.Glu433delinsGlyThrProGlyAlaTer (NM_001321283.2); c.736_757dup, p.Glu253delinsGlyThrProGlyAlaTer (NM_001321285.2).
Identifiers: ClinVar variation 4722635 (VCV004722635.1).

ClinVar aggregate classification (germline): Uncertain significance (1 of 4 stars; one submission).

Conditions:
Progressive familial heart block type IB (PFHB1B). Identifiers: Orphanet 871, MedGen C1970298, MONDO:0011474, OMIM 604559.

Submission:

Labcorp Genetics (formerly Invitae), Labcorp
Classification: Uncertain significance for Progressive familial heart block type IB. Last evaluated: 2025-11-25. Review status: criteria provided, single submitter. Criteria: Invitae Variant Classification Sherloc (09022015). Collection method: clinical testing. Allele origin: germline.
Comment: This sequence change creates a premature translational stop signal (p.Glu607delinsGlyThrProGlyAla*) in the TRPM4 gene. It is expected to result in an absent or disrupted protein product. However, the current clinical and genetic evidence is not sufficient to establish whether loss-of-function variants in TRPM4 cause disease. This variant is not present in population databases (gnomAD no frequency). This variant has not been reported in the literature in individuals affected with TRPM4-related conditions. In summary, the available evidence is currently insufficient to determine the role of this variant in disease. Therefore, it has been classified as a Variant of Uncertain Significance.